The following is an entry in ClinVar:

NM_012282.4(KCNE5):c.297_301del (p.Glu100fs)

Gene: KCNE5 (potassium voltage-gated channel subfamily E regulatory subunit 5; minus strand). Cytogenetic location: Xq23.
Variant type: Deletion.
Coding change: c.297_301del on transcript NM_012282.4 (MANE Select); coding-DNA positions 297 to 301, 5 bases deleted (CGAGC; older notation c.297_301delCGAGC).
Protein change: p.Glu100fs; shifts the reading frame from glutamic acid 100.
Molecular consequence: frameshift variant.
Genome position (GRCh38, 1-based): chrX:109,624,720-109,624,724, GCTCG deleted on the plus strand (CGAGC on the coding strand, the reverse complement: KCNE5 is on the minus strand); deleting any 5 consecutive bases within chrX:109,624,720-109,624,726 gives the same sequence; the c. name uses the placement nearest the transcript's 3' end. VCF-style (leftmost placement, unchanged base first): chrX-109624719-TGCTCG-T. GRCh37 (hg19) VCF-style: chrX-108867948-TGCTCG-T.
Other names: short protein forms E100fs.
Identifiers: ClinVar variation 1472078 (VCV001472078.6), dbSNP rs757341707, ClinGen allele CA10490858.
Genomic context (GRCh38, chrX:109,624,719, plus strand): 5'-GCCTGGGAGCCCGCGGCAGCCTCGGCGTCGGCGGTCAGGGCGCCTCCCGGGGCCCATTCG[TGCTCG>T]GCGCAAGCCTGGGACGGCTCGTCCTTGGCCTCGACGAGCTTACGGGAGCGGGTGTAGGCC-3'

ClinVar aggregate classification (germline): Uncertain significance (1 of 4 stars; one submission).

Conditions:
Brugada syndrome. Also called: Sudden unexplained nocturnal death syndrome; Sudden Unexplained Death Syndrome; Sudden Unexplained Nocturnal Death Syndrome (SUNDS); Sudden unexpected nocturnal death syndrome. Identifiers: Orphanet 130, MedGen C1142166, MONDO:0015263.

Submission:

Labcorp Genetics (formerly Invitae), Labcorp
Classification: Uncertain significance for Brugada syndrome. Last evaluated: 2022-07-19. Review status: criteria provided, single submitter. Criteria: Invitae Variant Classification Sherloc (09022015). Collection method: clinical testing. Allele origin: germline.
Comment: In summary, the available evidence is currently insufficient to determine the role of this variant in disease. Therefore, it has been classified as a Variant of Uncertain Significance. Experimental studies and prediction algorithms are not available or were not evaluated, and the functional significance of this variant is currently unknown. ClinVar contains an entry for this variant (Variation ID: 1472078). This variant has not been reported in the literature in individuals affected with KCNE5-related conditions. This variant is present in population databases (rs757341707, gnomAD 0.004%). This sequence change creates a premature translational stop signal (p.Glu100Argfs*39) in the KCNE5 gene. While this is not anticipated to result in nonsense mediated decay, it is expected to disrupt the last 43 amino acid(s) of the KCNE5 protein.